The following is an entry in ClinVar:

NM_139276.3(STAT3):c.129-250G>A

Gene: STAT3 (signal transducer and activator of transcription 3; minus strand). Cytogenetic location: 17q21.2.
Variant type: single nucleotide variant.
Coding change: c.129-250G>A on transcript NM_139276.3 (MANE Select); 250 bases into the intron before coding-DNA position 129, G replaced by A.
Molecular consequence: intron variant.
Genome position (GRCh38, 1-based): chr17:42,346,963, C>T on the plus strand (G>A on the coding strand, the complement: STAT3 is on the minus strand). VCF-style: chr17-42346963-C-T. GRCh37 (hg19) VCF-style: chr17-40498981-C-T.
Other names: c.129-250G>A (NM_001384989.1, NM_001384992.1, NM_001384984.1 and 17 more transcripts).
Identifiers: ClinVar variation 677732 (VCV000677732.1), dbSNP rs113576679, ClinGen allele CA290747183.

ClinVar aggregate classification (germline): Benign (1 of 4 stars; one submission).

Allele frequency attached by ClinVar (database versions not stated): 1000 Genomes Project 30x 0.05153; 1000 Genomes Project 0.05212; TOPMed 0.05340; gnomAD 0.06343.
gnomAD v4.1: 9,232 of 151,952 alleles (6.1%); highest among the groups gnomAD compares: Non-Finnish European, 7.4%; 349 homozygotes.

Submission:

GeneDx
Classification: Benign. Last evaluated: 2018-06-16. Review status: criteria provided, single submitter. Criteria: GeneDx Variant Classification (06012015). Collection method: clinical testing. Allele origin: germline. Affected: yes.
Comment: This variant is considered likely benign or benign based on one or more of the following criteria: it is a conservative change, it occurs at a poorly conserved position in the protein, it is predicted to be benign by multiple in silico algorithms, and/or has population frequency not consistent with disease.